The following is an entry in ClinVar:

ClinVar aggregate classification (germline): Uncertain significance. Review status: criteria provided, multiple submitters, no conflicts (2 of 4 stars). 4 submissions from 4 submitters: Uncertain significance (4). Last evaluated 2025-07-15.

Conditions:
Hereditary nonpolyposis colorectal neoplasms. Identifiers: MedGen C0009405, MeSH D003123.
Hereditary cancer-predisposing syndrome. Also called: Neoplastic Syndromes, Hereditary; Tumor predisposition; Hereditary Cancer Syndrome; Hereditary neoplastic syndrome. Identifiers: Orphanet 140162, MedGen C0027672, MeSH D009386, MONDO:0015356.

Allele frequency attached by ClinVar (database versions not stated): gnomAD 0.00001.

Submissions (4):

Color Diagnostics, LLC DBA Color Health
Classification: Uncertain significance for Hereditary cancer-predisposing syndrome. Last evaluated: 2025-07-15. Review status: criteria provided, single submitter. Criteria: ACMG Guidelines, 2015. Collection method: clinical testing. Allele origin: germline.
Comment: This missense variant replaces isoleucine with methionine at codon 15 of the PMS2 protein. Computational prediction suggests that this variant may have deleterious impact on protein structure and function. To our knowledge, functional studies have not been reported for this variant. This variant has not been reported in individuals affected with PMS2-related disorders in the literature. This variant has not been identified in the general population by the Genome Aggregation Database (gnomAD). The available evidence is insufficient to determine the role of this variant in disease conclusively. Therefore, this variant is classified as a Variant of Uncertain Significance.

Labcorp Genetics (formerly Invitae), Labcorp
Classification: Uncertain significance for Hereditary nonpolyposis colorectal neoplasms. Last evaluated: 2025-06-03. Review status: criteria provided, single submitter. Criteria: Invitae Variant Classification Sherloc (09022015). Collection method: clinical testing. Allele origin: germline.
Comment: This sequence change replaces isoleucine, which is neutral and non-polar, with methionine, which is neutral and non-polar, at codon 15 of the PMS2 protein (p.Ile15Met). This variant is not present in population databases (gnomAD no frequency). This variant has not been reported in the literature in individuals affected with PMS2-related conditions. ClinVar contains an entry for this variant (Variation ID: 233577). Invitae Evidence Modeling incorporating data from in vitro experimental studies (internal data) indicates that this missense variant is not expected to disrupt PMS2 function with a negative predictive value of 95%. In summary, the available evidence is currently insufficient to determine the role of this variant in disease. Therefore, it has been classified as a Variant of Uncertain Significance.

Quest Diagnostics Nichols Institute San Juan Capistrano
Classification: Uncertain significance. Last evaluated: 2023-09-01. Review status: criteria provided, single submitter. Criteria: Quest Diagnostics criteria. Collection method: clinical testing. Allele origin: unknown.
Comment: This variant has not been reported in the published literature. The frequency of this variant in the general population, 0.0000066 (1/152188 chromosomes (Genome Aggregation Database)), is uninformative in the assessment of its pathogenicity. Analysis of this variant using bioinformatics tools for the prediction of the effect of amino acid changes on protein structure and function yielded predictions that this variant is damaging. Based on the available information, we are unable to determine the clinical significance of this variant.

Ambry Genetics
Classification: Uncertain significance for Hereditary cancer-predisposing syndrome. Last evaluated: 2022-11-03. Review status: criteria provided, single submitter. Criteria: Ambry Variant Classification Scheme 2023. Collection method: clinical testing. Allele origin: germline.
Comment: The p.I15M variant (also known as c.45C>G), located in coding exon 2 of the PMS2 gene, results from a C to G substitution at nucleotide position 45. The isoleucine at codon 15 is replaced by methionine, an amino acid with highly similar properties. This amino acid position is highly conserved in available vertebrate species. In addition, this alteration is predicted to be deleterious by in silico analysis. Since supporting evidence is limited at this time, the clinical significance of this alteration remains unclear.

NM_000535.7(PMS2):c.45C>G (p.Ile15Met)

Gene: PMS2 (PMS1 homolog 2, mismatch repair system component; minus strand). Cytogenetic location: 7p22.1.
Variant type: single nucleotide variant.
Coding change: c.45C>G on transcript NM_000535.7 (MANE Select); coding-DNA position 45, C replaced by G.
Protein change: p.Ile15Met; replaces isoleucine 15 with methionine.
Molecular consequence: missense variant. On other transcripts: 5 prime UTR variant (8), non-coding transcript variant (1), intron variant (3).
Genome position (GRCh38, 1-based): chr7:6,006,010, G>C on the plus strand (C>G on the coding strand, the complement: PMS2 is on the minus strand). VCF-style: chr7-6006010-G-C. GRCh37 (hg19) VCF-style: chr7-6045641-G-C.
Other names: c.-361C>G (NM_001322003.2, NM_001322005.2, NM_001322009.2 and 1 more transcripts); c.45C>G, p.Ile15Met (NM_001322006.2, NM_001322014.2); c.-171C>G (NM_001322007.2); c.-840C>G (NM_001322011.2, NM_001322012.2); c.-440C>G (NM_001322015.2); c.-52-1952C>G (NM_001322008.2); c.-242-1952C>G (NM_001322010.2, NM_001322004.2); c.45C>G (NM_000535.6); short protein forms I15M.
Identifiers: ClinVar variation 233577 (VCV000233577.14), dbSNP rs876660499, ClinGen allele CA10578732.